The following is an entry in ClinVar:

NM_024675.4(PALB2):c.87C>T (p.Ser29=)

Gene: PALB2 (partner and localizer of BRCA2; minus strand). Cytogenetic location: 16p12.2.
Variant type: single nucleotide variant.
Coding change: c.87C>T on transcript NM_024675.4 (MANE Select); coding-DNA position 87, C replaced by T.
Protein change: p.Ser29=; no amino-acid change (serine 29 retained).
Molecular consequence: synonymous variant. On other transcripts: 5 prime UTR variant (8), intron variant (4).
Genome position (GRCh38, 1-based): chr16:23,638,091, G>A on the plus strand (C>T on the coding strand, the complement: PALB2 is on the minus strand). VCF-style: chr16-23638091-G-A. GRCh37 (hg19) VCF-style: chr16-23649412-G-A.
Other names: c.87C>T, p.Ser29= (NM_001407297.1, NM_001407298.1, NM_001407299.1 and 3 more transcripts); c.-799C>T (NM_001407304.1, NM_001407305.1, NM_001407306.1 and 5 more transcripts); c.48+3019C>T (NM_001407314.1); c.-105+3019C>T (NM_001407313.1, NM_001407312.1); c.49-139C>T (NM_001407296.1).
Identifiers: ClinVar variation 2006812 (VCV002006812.6), dbSNP rs2142460349, ClinGen allele CA494167980.

ClinVar aggregate classification (germline): Benign/Likely benign. Review status: criteria provided, multiple submitters, no conflicts (2 of 4 stars). 3 submissions from 3 submitters: Benign (1); Likely benign (2). Last evaluated 2025-01-09.

Conditions:
Hereditary cancer-predisposing syndrome. Also called: Hereditary neoplastic syndrome; Hereditary Cancer Syndrome; Tumor predisposition; Neoplastic Syndromes, Hereditary. Identifiers: Orphanet 140162, MedGen C0027672, MeSH D009386, MONDO:0015356.
Familial cancer of breast. Also called: hereditary breast carcinoma; Hereditary breast cancer; BREAST CANCER, FAMILIAL. Identifiers: Orphanet 227535, MedGen C0346153, MONDO:0016419, OMIM 114480. Disease mechanism: loss of function.

Submissions (3):

Myriad Genetics, Inc.
Classification: Benign for Familial cancer of breast. Last evaluated: 2025-01-09. Review status: criteria provided, single submitter. Criteria: Myriad Autosomal Dominant, Autosomal Recessive and X-Linked Classification Criteria (2023). Collection method: clinical testing. Allele origin: unknown.
Comment: This variant is considered benign. This variant is a silent/synonymous amino acid change and it is not expected to impact splicing.

Ambry Genetics
Classification: Likely benign for Hereditary cancer-predisposing syndrome. Last evaluated: 2024-04-16. Review status: criteria provided, single submitter. Criteria: Ambry Variant Classification Scheme 2023. Collection method: clinical testing. Allele origin: germline.

Labcorp Genetics (formerly Invitae), Labcorp
Classification: Likely benign for Familial cancer of breast. Last evaluated: 2024-03-17. Review status: criteria provided, single submitter. Criteria: Invitae Variant Classification Sherloc (09022015). Collection method: clinical testing. Allele origin: germline.